The following is an entry in ClinVar:

NM_001009999.3(KDM1A):c.2528T>C (p.Leu843Pro)

Gene: KDM1A (lysine demethylase 1A; plus strand). Cytogenetic location: 1p36.12.
Variant type: single nucleotide variant.
Coding change: c.2528T>C on transcript NM_001009999.3 (MANE Select); coding-DNA position 2528, T replaced by C.
Protein change: p.Leu843Pro; replaces leucine 843 with proline.
Molecular consequence: missense variant. On other transcripts: 3 prime UTR variant (1).
Genome position (GRCh38, 1-based): chr1:23,083,261, T>C. VCF-style: chr1-23083261-T-C. GRCh37 (hg19) VCF-style: chr1-23409754-T-C.
Other names: c.2534T>C, p.Leu845Pro (NM_001410762.1); c.*776T>C (NM_001410763.1); c.2456T>C, p.Leu819Pro (NM_015013.4); c.2474T>C, p.Leu825Pro (NM_001363654.2); short protein forms L819P, L825P, L843P, L845P.
Identifiers: ClinVar variation 4858714 (VCV004858714.1).
Genomic context (GRCh38, chr1:23,083,261, plus strand): 5'-CGGGAGAACATACGATCCGTAACTACCCAGCCACAGTGCATGGTGCTCTGCTGAGTGGGC[T>C]GCGAGAAGCGGGAAGAATTGCAGACCAGTTTTTGGGGGCCATGTATACGCTGCCTCGCCA-3'
Protein context (NP_001009999.1, residues 833-853): ATVHGALLSG[Leu843Pro]REAGRIADQF

ClinVar aggregate classification (germline): Uncertain significance (1 of 4 stars; one submission).

Conditions:
Inborn genetic diseases. Identifiers: MedGen C0950123, MeSH D030342.

Submission:

Ambry Genetics
Classification: Uncertain significance for Inborn genetic diseases. Last evaluated: 2026-04-15. Review status: criteria provided, single submitter. Criteria: Ambry Variant Classification Scheme 2023. Collection method: clinical testing. Allele origin: germline.
Comment: The p.L843P variant (also known as c.2528T>C), located in coding exon 21 of the KDM1A gene, results from a T to C substitution at nucleotide position 2528. The leucine at codon 843 is replaced by proline, an amino acid with similar properties. This amino acid position is conserved. In addition, this alteration is predicted to be deleterious by in silico analysis. Based on the available evidence, the clinical significance of this variant remains unclear.